The following is an entry in ClinVar:

ClinVar aggregate classification (germline): Pathogenic (1 of 4 stars; one submission).

Conditions:
Primary ciliary dyskinesia. Also called: Ciliary dyskinesia. Identifiers: Orphanet 244, MedGen C0008780, MONDO:0016575, HP:0012265.

Submission:

Labcorp Genetics (formerly Invitae), Labcorp
Classification: Pathogenic for Primary ciliary dyskinesia. Last evaluated: 2024-08-26. Review status: criteria provided, single submitter. Criteria: Invitae Variant Classification Sherloc (09022015). Collection method: clinical testing. Allele origin: germline.
Comment: This sequence change creates a premature translational stop signal (p.Leu3728Serfs*6) in the DNAH11 gene. It is expected to result in an absent or disrupted protein product. Loss-of-function variants in DNAH11 are known to be pathogenic (PMID: 18022865, 20513915, 22184204). This variant is not present in population databases (gnomAD no frequency). This variant has not been reported in the literature in individuals affected with DNAH11-related conditions. For these reasons, this variant has been classified as Pathogenic.

Literature cited by the submitters: PubMed 18022865; PubMed 20513915; PubMed 22184204.

NM_001277115.2(DNAH11):c.11182del (p.Leu3728fs)

Gene: DNAH11 (dynein axonemal heavy chain 11; plus strand). Cytogenetic location: 7p15.3.
Variant type: Deletion.
Coding change: c.11182del on transcript NM_001277115.2 (MANE Select); coding-DNA position 11182, one base deleted (C; older notation c.11182delC).
Protein change: p.Leu3728fs; shifts the reading frame from leucine 3728.
Molecular consequence: frameshift variant.
Genome position (GRCh38, 1-based): chr7:21,854,435, C deleted; the last of 5 consecutive C bases (chr7:21,854,431-21,854,435); deleting any one gives the same sequence. VCF-style (leftmost placement, unchanged base first): chr7-21854430-AC-A. GRCh37 (hg19) VCF-style: chr7-21894048-AC-A.
Other names: short protein forms L3728fs.
Identifiers: ClinVar variation 3640165 (VCV003640165.2).